The following is an entry in ClinVar:

NM_001080449.3(DNA2):c.587T>C (p.Met196Thr)

Gene: DNA2 (DNA replication helicase/nuclease 2; minus strand). Cytogenetic location: 10q21.3.
Variant type: single nucleotide variant.
Coding change: c.587T>C on transcript NM_001080449.3 (MANE Select); coding-DNA position 587, T replaced by C.
Protein change: p.Met196Thr; replaces methionine 196 with threonine.
Molecular consequence: missense variant. On other transcripts: non-coding transcript variant (1).
Genome position (GRCh38, 1-based): chr10:68,465,667, A>G on the plus strand (T>C on the coding strand, the complement: DNA2 is on the minus strand). VCF-style: chr10-68465667-A-G. GRCh37 (hg19) VCF-style: chr10-70225424-A-G.
Other names: short protein forms M196T.
Identifiers: ClinVar variation 2834897 (VCV002834897.3), dbSNP rs2494008895, ClinGen allele CA376827694.

ClinVar aggregate classification (germline): Uncertain significance (1 of 4 stars; one submission).

Allele frequency attached by ClinVar (database versions not stated): gnomAD exomes below 0.00001.

Submission:

Labcorp Genetics (formerly Invitae), Labcorp
Classification: Uncertain significance. Last evaluated: 2023-02-05. Review status: criteria provided, single submitter. Criteria: Invitae Variant Classification Sherloc (09022015). Collection method: clinical testing. Allele origin: germline.
Comment: In summary, the available evidence is currently insufficient to determine the role of this variant in disease. Therefore, it has been classified as a Variant of Uncertain Significance. Algorithms developed to predict the effect of missense changes on protein structure and function are either unavailable or do not agree on the potential impact of this missense change (SIFT: "Tolerated"; PolyPhen-2: "Not Available"; Align-GVGD: "Class C0"). This variant has not been reported in the literature in individuals affected with DNA2-related conditions. This variant is not present in population databases (gnomAD no frequency). This sequence change replaces methionine, which is neutral and non-polar, with threonine, which is neutral and polar, at codon 196 of the DNA2 protein (p.Met196Thr).